The following is an entry in ClinVar:

ClinVar aggregate classification (germline): Uncertain significance (1 of 4 stars; one submission).

Submission:

GeneDx
Classification: Uncertain significance. Last evaluated: 2024-04-29. Review status: criteria provided, single submitter. Criteria: GeneDx Variant Classification Process June 2021. Collection method: clinical testing. Allele origin: germline. Affected: yes.
Comment: Reported previously in two family members with features associated with Parkinson disease; other family members were also reported to be affected but were not tested for the variant (PMID: 35708213); Published in vitro functional studies demonstrate that this variant shows an altered pattern of phosphorylation (PMID: 35708213); Not observed at significant frequency in large population cohorts (gnomAD); In silico analysis indicates that this missense variant does not alter protein structure/function; This variant is associated with the following publications: (PMID: 35708213)

NM_198578.4(LRRK2):c.689A>G (p.His230Arg)

Gene: LRRK2 (leucine rich repeat kinase 2; plus strand). Cytogenetic location: 12q12.
Variant type: single nucleotide variant.
Coding change: c.689A>G on transcript NM_198578.4 (MANE Select); coding-DNA position 689, A replaced by G.
Protein change: p.His230Arg; replaces histidine 230 with arginine.
Molecular consequence: missense variant.
Genome position (GRCh38, 1-based): chr12:40,240,600, A>G. VCF-style: chr12-40240600-A-G. GRCh37 (hg19) VCF-style: chr12-40634402-A-G.
Other names: short protein forms H230R.
Identifiers: ClinVar variation 3372848 (VCV003372848.1).